The following is an entry in ClinVar:

NM_005262.3(GFER):c.456-9C>T

Gene: GFER (growth factor, augmenter of liver regeneration; plus strand). Cytogenetic location: 16p13.3.
Variant type: single nucleotide variant.
Coding change: c.456-9C>T on transcript NM_005262.3 (MANE Select); 9 bases into the intron before coding-DNA position 456, C replaced by T.
Molecular consequence: intron variant.
Genome position (GRCh38, 1-based): chr16:1,985,857, C>T. VCF-style: chr16-1985857-C-T. GRCh37 (hg19) VCF-style: chr16-2035858-C-T.
Identifiers: ClinVar variation 514442 (VCV000514442.8), dbSNP rs1016101367, ClinGen allele CA276773465.

ClinVar aggregate classification (germline): Likely benign. Review status: criteria provided, multiple submitters, no conflicts (2 of 4 stars). 2 submissions from 2 submitters: Likely benign (2). Last evaluated 2025-05-22.

Allele frequency attached by ClinVar (database versions not stated): gnomAD exomes below 0.00001 and 0.00001; TOPMed 0.00001.
gnomAD v4.1: 23 of 1,610,750 alleles (0.0014%); highest among the groups gnomAD compares: South Asian, 0.0033%; no homozygotes.

Submissions (2):

Labcorp Genetics (formerly Invitae), Labcorp
Classification: Likely benign. Last evaluated: 2025-05-22. Review status: criteria provided, single submitter. Criteria: Invitae Variant Classification Sherloc (09022015). Collection method: clinical testing. Allele origin: germline.

GeneDx
Classification: Likely benign. Last evaluated: 2018-01-18. Review status: criteria provided, single submitter. Criteria: GeneDx Variant Classification (06012015). Collection method: clinical testing. Allele origin: germline. Affected: yes.
Comment: This variant is considered likely benign or benign based on one or more of the following criteria: it is a conservative change, it occurs at a poorly conserved position in the protein, it is predicted to be benign by multiple in silico algorithms, and/or has population frequency not consistent with disease.